The following is an entry in ClinVar:

NM_005859.5(PURA):c.734G>A (p.Arg245Gln)

Gene: PURA (purine rich element binding protein A; plus strand). Cytogenetic location: 5q31.3.
Variant type: single nucleotide variant.
Coding change: c.734G>A on transcript NM_005859.5 (MANE Select); coding-DNA position 734, G replaced by A.
Protein change: p.Arg245Gln; replaces arginine 245 with glutamine.
Molecular consequence: missense variant.
Genome position (GRCh38, 1-based): chr5:140,114,915, G>A. VCF-style: chr5-140114915-G-A. GRCh37 (hg19) VCF-style: chr5-139494500-G-A.
Other names: short protein forms R245Q.
Identifiers: ClinVar variation 3428460 (VCV003428460.1).

ClinVar aggregate classification (germline): Likely pathogenic (1 of 4 stars; one submission).

Conditions:
Inborn genetic diseases. Identifiers: MedGen C0950123, MeSH D030342.

Submission:

Ambry Genetics
Classification: Likely pathogenic for Inborn genetic diseases. Last evaluated: 2024-06-26. Review status: criteria provided, single submitter. Criteria: Ambry Variant Classification Scheme 2023. Collection method: clinical testing. Allele origin: germline.
Comment: The c.734G>A (p.R245Q) alteration is located in exon 1 (coding exon 1) of the PURA gene. This alteration results from a G to A substitution at nucleotide position 734, causing the arginine (R) at amino acid position 245 to be replaced by a glutamine (Q). This variant was not reported in population-based cohorts in the Genome Aggregation Database (gnomAD). Another alteration at the same codon, c.734G>C (p.R245P), has been described in at least two individuals with PURA-related neurodevelopmental disorder (Reijnders, 2018). This amino acid position is highly conserved in available vertebrate species. This alteration is predicted to be deleterious by in silico analysis. Based on the available evidence, this alteration is classified as likely pathogenic.

Literature cited by the submitters: PubMed 29097605.